The following is an entry in ClinVar:

ClinVar aggregate classification (germline): Likely pathogenic, low penetrance (1 of 4 stars; one submission).

Conditions:
CFI-related disorder. Also called: CFI-related condition; CFI-related disorders. Identifiers: MedGen CN239325.

Submission:

Genomenon, Inc
Classification: Likely pathogenic, low penetrance for CFI-related disorder. Last evaluated: 2025-09-26. Review status: criteria provided, single submitter. Criteria: Genomenon Sequence Variant Interpretation Standards - Updated. Collection method: curation. Allele origin: germline. Affected: no.
Comment: CFI p.Phe82Ser (c.245T>C) is a missense variant that changes the amino acid at residue 82 from Phenylalanine to Serine. To our knowledge, this variant has not been reported in patients affected with CFI-related disorders in the published literature. At least one functional study has demonstrated a substantial alteration in protein function relative to the wild-type (PMID:32510551). It is absent or not present at a significant frequency in gnomAD. In silico models agree that this variant is not damaging. In conclusion, we classify CFI p.Phe82Ser (c.245T>C) as a likely pathogenic, low penetrance variant.

Literature cited by the submitters: PubMed 32510551.

NM_000204.5(CFI):c.245T>C (p.Phe82Ser)

Gene: CFI (complement factor I; minus strand). Cytogenetic location: 4q25.
Variant type: single nucleotide variant.
Coding change: c.245T>C on transcript NM_000204.5 (MANE Select); coding-DNA position 245, T replaced by C.
Protein change: p.Phe82Ser; replaces phenylalanine 82 with serine.
Molecular consequence: missense variant. On other transcripts: non-coding transcript variant (3), intron variant (1).
Genome position (GRCh38, 1-based): chr4:109,766,637, A>G on the plus strand (T>C on the coding strand, the complement: CFI is on the minus strand). VCF-style: chr4-109766637-A-G. GRCh37 (hg19) VCF-style: chr4-110687793-A-G.
Other names: c.245T>C, p.Phe82Ser (NM_001318057.2, NM_001331035.2, NM_001375278.1 and 10 more transcripts); c.-127-4945T>C (NM_001375284.1); short protein forms F82S.
Identifiers: ClinVar variation 4280471 (VCV004280471.1).